The following is an entry in ClinVar:

NM_005359.6(SMAD4):c.622G>A (p.Ala208Thr)

Gene: SMAD4 (SMAD family member 4; plus strand). Cytogenetic location: 18q21.2.
Variant type: single nucleotide variant.
Coding change: c.622G>A on transcript NM_005359.6 (MANE Select); coding-DNA position 622, G replaced by A.
Protein change: p.Ala208Thr; replaces alanine 208 with threonine.
Molecular consequence: missense variant.
Genome position (GRCh38, 1-based): chr18:51,054,948, G>A. VCF-style: chr18-51054948-G-A. GRCh37 (hg19) VCF-style: chr18-48581318-G-A.
Other names: c.622G>A (NM_005359.5); short protein forms A208T.
Identifiers: ClinVar variation 1495096 (VCV001495096.9), dbSNP rs1046411210, ClinGen allele CA300084631.

ClinVar aggregate classification (germline): Uncertain significance. Review status: criteria provided, multiple submitters, no conflicts (2 of 4 stars). 2 submissions from 2 submitters: Uncertain significance (2). Last evaluated 2024-12-05.

Conditions:
Familial thoracic aortic aneurysm and aortic dissection (TAAD). Also called: Thoracic aortic aneurysms and dissections. Identifiers: Orphanet 91387, MedGen C4707243, MONDO:0019625.
Hereditary cancer-predisposing syndrome. Also called: Neoplastic Syndromes, Hereditary; Tumor predisposition; Hereditary neoplastic syndrome; Hereditary Cancer Syndrome. Identifiers: Orphanet 140162, MedGen C0027672, MeSH D009386, MONDO:0015356.
Juvenile polyposis syndrome (JPS). Identifiers: Orphanet 2929, MedGen C0345893, MONDO:0017380, OMIM 174900.

Allele frequency attached by ClinVar (database versions not stated): TOPMed below 0.00001; gnomAD 0.00001.
gnomAD v4.1: 1 of 1,614,018 alleles (0.000062%); highest among the groups gnomAD compares: African/African-American, 0.0013%; no homozygotes.

Submissions (2):

Labcorp Genetics (formerly Invitae), Labcorp
Classification: Uncertain significance for Juvenile polyposis syndrome. Last evaluated: 2024-12-05. Review status: criteria provided, single submitter. Criteria: Invitae Variant Classification Sherloc (09022015). Collection method: clinical testing. Allele origin: germline.
Comment: This sequence change replaces alanine, which is neutral and non-polar, with threonine, which is neutral and polar, at codon 208 of the SMAD4 protein (p.Ala208Thr). This variant is not present in population databases (gnomAD no frequency). This variant has not been reported in the literature in individuals affected with SMAD4-related conditions. ClinVar contains an entry for this variant (Variation ID: 1495096). Invitae Evidence Modeling of protein sequence and biophysical properties (such as structural, functional, and spatial information, amino acid conservation, physicochemical variation, residue mobility, and thermodynamic stability) indicates that this missense variant is not expected to disrupt SMAD4 protein function with a negative predictive value of 95%. In summary, the available evidence is currently insufficient to determine the role of this variant in disease. Therefore, it has been classified as a Variant of Uncertain Significance.

Ambry Genetics
Classification: Uncertain significance for Hereditary cancer-predisposing syndrome; Familial thoracic aortic aneurysm and aortic dissection. Last evaluated: 2023-04-10. Review status: criteria provided, single submitter. Criteria: Ambry Variant Classification Scheme 2023. Collection method: clinical testing. Allele origin: germline.
Comment: The p.A208T variant (also known as c.622G>A), located in coding exon 4 of the SMAD4 gene, results from a G to A substitution at nucleotide position 622. The alanine at codon 208 is replaced by threonine, an amino acid with similar properties. This amino acid position is not well conserved in available vertebrate species. In addition, the in silico prediction for this alteration is inconclusive. Since supporting evidence is limited at this time, the clinical significance of this alteration remains unclear.